The following is an entry in ClinVar:

NM_000441.2(SLC26A4):c.314A>G (p.Tyr105Cys)

Gene: SLC26A4 (solute carrier family 26 member 4; plus strand). Cytogenetic location: 7q22.3.
Variant type: single nucleotide variant.
Coding change: c.314A>G on transcript NM_000441.2 (MANE Select); coding-DNA position 314, A replaced by G.
Protein change: p.Tyr105Cys; replaces tyrosine 105 with cysteine.
Molecular consequence: missense variant.
Genome position (GRCh38, 1-based): chr7:107,672,147, A>G. VCF-style: chr7-107672147-A-G. GRCh37 (hg19) VCF-style: chr7-107312592-A-G.
Other names: short protein forms Y105C.
Identifiers: ClinVar variation 3251445 (VCV003251445.1), dbSNP rs1442599990.

ClinVar aggregate classification (germline): Uncertain significance (1 of 4 stars; one submission).

Allele frequency attached by ClinVar (database versions not stated): gnomAD exomes below 0.00001; gnomAD 0.00001; TOPMed 0.00001.
gnomAD v4.1: 5 of 1,607,200 alleles (0.00031%); highest among the groups gnomAD compares: Non-Finnish European, 0.00043%; no homozygotes.

Submission:

Women's Health and Genetics/Laboratory Corporation of America, LabCorp
Classification: Uncertain significance. Last evaluated: 2024-04-08. Review status: criteria provided, single submitter. Criteria: LabCorp Variant Classification Summary - May 2015. Collection method: clinical testing. Allele origin: germline.
Comment: Variant summary: SLC26A4 c.314A>G (p.Tyr105Cys) results in a non-conservative amino acid change located in the SLC26A/SulP transporter domain (IPR011547) of the encoded protein sequence. Five of five in-silico tools predict a damaging effect of the variant on protein function. The variant was absent in 251390 control chromosomes. The available data on variant occurrences in the general population are insufficient to allow any conclusion about variant significance. c.314A>G has been reported in the literature in at least one heterozygous individual affected with Mondini dysplasia or in at least one individual affected with hereditary sensorineural hearing loss without reported genotype (e.g. Campbell_2001, Gardner_2006). These reports do not provide unequivocal conclusions about association of the variant with Pendred Syndrome. To our knowledge, no experimental evidence demonstrating an impact on protein function has been reported. The following publications have been ascertained in the context of this evaluation (PMID: 11317356, 16950989). No submitters have cited clinical-significance assessments for this variant to ClinVar. Based on the evidence outlined above, the variant was classified as uncertain significance.

Literature cited by the submitters: PubMed 16950989; PubMed 11317356.